The following is an entry in ClinVar:

NM_001165963.4(SCN1A):c.4002+2305_4002+2312dup

Genes: SCN1A (sodium voltage-gated channel alpha subunit 1; minus strand), LOC102724058 (uncharacterized LOC102724058; plus strand). Cytogenetic location: 2q24.3.
Variant type: Duplication.
Coding change: c.4002+2305_4002+2312dup on transcript NM_001165963.4 (MANE Select); bases 2305 to 2312 of the intron after coding-DNA position 4002, 8 bases duplicated (AACTCAAG; older notation c.4002+2305_4002+2312dupAACTCAAG).
Molecular consequence: intron variant.
Genome position (GRCh38, 1-based): chr2:166,007,407-166,007,414, CTTGAGTT duplicated on the plus strand (AACTCAAG on the coding strand, the reverse complement: SCN1A is on the minus strand); duplicating any 8 consecutive bases within chr2:166,007,407-166,007,417 gives the same sequence; the c. name uses the placement nearest the transcript's 3' end. VCF-style (leftmost placement, unchanged base first): chr2-166007406-A-ACTTGAGTT. GRCh37 (hg19) VCF-style: chr2-166863916-A-ACTTGAGTT.
Other names: c.3969+2305_3969+2312dup (NM_001353949.2, NM_001353950.2, NM_001353951.2 and 2 more transcripts); c.3918+2305_3918+2312dup (NM_001353958.2, NM_001353957.2, NM_001165964.3); c.4002+2305_4002+2312dup (NM_001202435.3, NM_001353948.2); c.3966+2305_3966+2312dup (NM_001353955.2, NM_001353954.2); c.3915+2305_3915+2312dup (NM_001353960.2); c.1560+2305_1560+2312dup (NM_001353961.2).
Identifiers: ClinVar variation 1576345 (VCV001576345.9), dbSNP rs2105548367, ClinGen allele CA2520733536.

ClinVar aggregate classification (germline): Uncertain significance (1 of 4 stars; one submission).

Conditions:
Early-infantile DEE. Also called: Ohtahara syndrome; Early infantile epileptic encephalopathy with suppression bursts; Early infantile epileptic encephalopathy. Identifiers: Orphanet 1934, MedGen C0393706, MONDO:0800491.

Submission:

Labcorp Genetics (formerly Invitae), Labcorp
Classification: Uncertain significance for Early-infantile DEE. Last evaluated: 2025-05-18. Review status: criteria provided, single submitter. Criteria: Invitae Variant Classification Sherloc (09022015). Collection method: clinical testing. Allele origin: germline.
Comment: This sequence change falls in intron 20 of the SCN1A gene. It does not directly change the encoded amino acid sequence of the SCN1A protein. However, this sequence change falls within a region encompassing a cryptic exon in the SCN1A gene, in which variants have been shown to alter splicing (PMID: 30526861, 34107977). This variant is not present in population databases (gnomAD no frequency). This variant has not been reported in the literature in individuals affected with SCN1A-related conditions. ClinVar contains an entry for this variant (Variation ID: 1576345). Algorithms developed to predict the effect of sequence changes on RNA splicing suggest that this variant is not likely to affect RNA splicing. In summary, the available evidence is currently insufficient to determine the role of this variant in disease. Therefore, it has been classified as a Variant of Uncertain Significance.

Literature cited by the submitters: PubMed 30526861; PubMed 34107977.